The following is an entry in ClinVar:

NM_000051.4(ATM):c.5998A>T (p.Ser2000Cys)

Genes: ATM (ATM serine/threonine kinase; plus strand), C11orf65 (chromosome 11 open reading frame 65; minus strand). Cytogenetic location: 11q22.3.
Variant type: single nucleotide variant.
Coding change: c.5998A>T on transcript NM_000051.4 (MANE Select); coding-DNA position 5998, A replaced by T.
Protein change: p.Ser2000Cys; replaces serine 2000 with cysteine.
Molecular consequence: missense variant. On other transcripts: intron variant (2).
Genome position (GRCh38, 1-based): chr11:108,312,490, A>T. VCF-style: chr11-108312490-A-T. GRCh37 (hg19) VCF-style: chr11-108183217-A-T.
Other names: c.5998A>T, p.Ser2000Cys (NM_001351834.2); c.641-3419T>A (NM_001330368.2); c.*39-3419T>A (NM_001351110.2); short protein forms S2000C.
Identifiers: ClinVar variation 3659502 (VCV003659502.2).

ClinVar aggregate classification (germline): Uncertain significance (1 of 4 stars; one submission).

Conditions:
Ataxia-telangiectasia syndrome (AT). Also called: Ataxia-telangiectasia, complementation group D; AT, COMPLEMENTATION GROUP C; ATAXIA-TELANGIECTASIA, COMPLEMENTATION GROUP A; ATAXIA-TELANGIECTASIA, FRESNO VARIANT; Ataxia-telangiectasia; Ataxia-telangiectasia, complementation group E. Identifiers: Orphanet 100, MedGen C0004135, MONDO:0008840, OMIM 208900.

Submission:

Labcorp Genetics (formerly Invitae), Labcorp
Classification: Uncertain significance for Ataxia-telangiectasia syndrome. Last evaluated: 2024-07-15. Review status: criteria provided, single submitter. Criteria: Invitae Variant Classification Sherloc (09022015). Collection method: clinical testing. Allele origin: germline.
Comment: This sequence change replaces serine, which is neutral and polar, with cysteine, which is neutral and slightly polar, at codon 2000 of the ATM protein (p.Ser2000Cys). This variant is not present in population databases (gnomAD no frequency). This variant has not been reported in the literature in individuals affected with ATM-related conditions. An algorithm developed to predict the effect of missense changes on protein structure and function (PolyPhen-2) suggests that this variant is likely to be tolerated. In summary, the available evidence is currently insufficient to determine the role of this variant in disease. Therefore, it has been classified as a Variant of Uncertain Significance.